The following is an entry in ClinVar:

ClinVar aggregate classification (germline): Uncertain significance (1 of 4 stars; one submission).

Conditions:
Hereditary cancer-predisposing syndrome. Also called: Tumor predisposition; Hereditary Cancer Syndrome; Hereditary neoplastic syndrome; Neoplastic Syndromes, Hereditary. Identifiers: Orphanet 140162, MedGen C0027672, MeSH D009386, MONDO:0015356.

Submission:

Ambry Genetics
Classification: Uncertain significance for Hereditary cancer-predisposing syndrome. Last evaluated: 2023-06-20. Review status: criteria provided, single submitter. Criteria: Ambry Variant Classification Scheme 2023. Collection method: clinical testing. Allele origin: germline.
Comment: The p.P252S variant (also known as c.754C>T), located in coding exon 8 of the NF2 gene, results from a C to T substitution at nucleotide position 754. The proline at codon 252 is replaced by serine, an amino acid with similar properties. This amino acid position is conserved. In addition, this alteration is predicted to be deleterious by in silico analysis. Since supporting evidence is limited at this time, the clinical significance of this alteration remains unclear.

NM_000268.4(NF2):c.754C>T (p.Pro252Ser)

Gene: NF2 (NF2, moesin-ezrin-radixin like (MERLIN) tumor suppressor; plus strand). Cytogenetic location: 22q12.2.
Variant type: single nucleotide variant.
Coding change: c.754C>T on transcript NM_000268.4 (MANE Select); coding-DNA position 754, C replaced by T.
Protein change: p.Pro252Ser; replaces proline 252 with serine.
Molecular consequence: missense variant. On other transcripts: non-coding transcript variant (1), intron variant (4).
Genome position (GRCh38, 1-based): chr22:29,661,283, C>T. VCF-style: chr22-29661283-C-T. GRCh37 (hg19) VCF-style: chr22-30057272-C-T.
Other names: c.640C>T, p.Pro214Ser (NM_001407053.1, NM_001407056.1); c.631C>T, p.Pro211Ser (NM_001407054.1, NM_001407058.1, NM_181829.3); c.628C>T, p.Pro210Ser (NM_001407055.1, NM_181828.3); c.754C>T, p.Pro252Ser (NM_001407060.1, NM_001407066.1, NM_016418.5 and 2 more transcripts); c.505C>T, p.Pro169Ser (NM_001407063.1, NM_001407064.1, NM_181830.3 and 1 more transcripts); c.220C>T, p.Pro74Ser (NM_001407065.1); c.523C>T, p.Pro175Ser (NM_001407067.1); c.675+3019C>T (NM_001407059.1, NM_001407057.1); and 2 more; short protein forms P175S, P210S, P169S, P214S, P252S, P211S, P74S.
Identifiers: ClinVar variation 2587696 (VCV002587696.2), dbSNP rs2066469878, ClinGen allele CA411143898.